The following is an entry in ClinVar:

ClinVar aggregate classification (germline): Uncertain significance (1 of 4 stars; one submission).

Conditions:
Autosomal recessive nonsyndromic hearing loss 124. Also called: DEAFNESS, AUTOSOMAL RECESSIVE 124. Identifiers: MedGen C5935612, MONDO:0968981, OMIM 620794.

gnomAD v4.1: 198 of 1,601,362 alleles (0.012%); highest among the groups gnomAD compares: East Asian, 0.28%; 1 homozygote.

Submission:

Juno Genomics, Hangzhou Juno Genomics, Inc
Classification: Uncertain significance for Autosomal recessive nonsyndromic hearing loss 124. Review status: criteria provided, single submitter. Criteria: ACMG Guidelines, 2015. Collection method: clinical testing. Allele origin: germline.
Comment: Absent from controls (or at extremely low frequency if recessive) in Genome Aggregation Database.;Multiple lines of computational evidence support a deleterious effect on the gene or gene product.

NM_177531.6(PKHD1L1):c.11590C>T (p.Arg3864Cys)

Gene: PKHD1L1 (PKHD1 like 1; plus strand). Cytogenetic location: 8q23.2.
Variant type: single nucleotide variant.
Coding change: c.11590C>T on transcript NM_177531.6 (MANE Select); coding-DNA position 11590, C replaced by T.
Protein change: p.Arg3864Cys; replaces arginine 3864 with cysteine.
Molecular consequence: missense variant.
Genome position (GRCh38, 1-based): chr8:109,515,206, C>T. VCF-style: chr8-109515206-C-T. GRCh37 (hg19) VCF-style: chr8-110527435-C-T.
Other names: short protein forms R3864C.
Identifiers: ClinVar variation 5019273 (VCV005019273.2).